The following is an entry in ClinVar:

NM_206933.4(USH2A):c.2035G>A (p.Gly679Arg)

Gene: USH2A (usherin; minus strand). Cytogenetic location: 1q41.
Variant type: single nucleotide variant.
Coding change: c.2035G>A on transcript NM_206933.4 (MANE Select); coding-DNA position 2035, G replaced by A.
Protein change: p.Gly679Arg; replaces glycine 679 with arginine.
Molecular consequence: missense variant.
Genome position (GRCh38, 1-based): chr1:216,251,035, C>T on the plus strand (G>A on the coding strand, the complement: USH2A is on the minus strand). VCF-style: chr1-216251035-C-T. GRCh37 (hg19) VCF-style: chr1-216424377-C-T.
Other names: c.2035G>A, p.Gly679Arg (NM_007123.6); short protein forms G679R.
Identifiers: ClinVar variation 1064947 (VCV001064947.11), dbSNP rs367693972, ClinGen allele CA1396322.

ClinVar aggregate classification (germline): Uncertain significance. Review status: criteria provided, multiple submitters, no conflicts (2 of 4 stars). 8 submissions from 7 submitters: Uncertain significance (7). 1 of the submissions does not count toward it. Last evaluated 2025-08-06.

Conditions:
Retinitis pigmentosa 39 (RP39). Identifiers: Orphanet 791, MedGen C3151138, MONDO:0013436, OMIM 613809.
Usher syndrome type 2A. Also called: RETINAL DISEASE IN USHER SYNDROME TYPE IIA, MODIFIER OF; USHER SYNDROME, TYPE IIA. Identifiers: Orphanet 231178, Orphanet 886, MedGen C1848634, MONDO:0010169, OMIM 276901.
Hearing impairment. Also called: Impaired Hearing. Identifiers: MedGen C1384666, MONDO:0005365, HP:0000365.
USH2A-related disorder. Also called: USH2A-related disorders; USH2A-related condition. Identifiers: MedGen CN239332.

Allele frequency attached by ClinVar (database versions not stated): gnomAD exomes 0.00004 and 0.00012; gnomAD 0.00008 and 0.00009; ExAC 0.00006; TOPMed 0.00011; ESP Exome Variant Server 0.00015.
gnomAD v4.1: 178 of 1,613,918 alleles (0.011%); highest among the groups gnomAD compares: Non-Finnish European, 0.015%; no homozygotes.

Submissions (8):

GeneDx
Classification: Uncertain significance. Last evaluated: 2025-08-06. Review status: criteria provided, single submitter. Criteria: GeneDx Variant Classification Process June 2021. Collection method: clinical testing. Allele origin: germline.
Comment: Identified in a patient with nonsyndromic hearing loss who also harbored a variant in the MYO7A gene in published literature (PMID: 34753855); In silico analysis supports that this missense variant has a deleterious effect on protein structure/function; This variant is associated with the following publications: (PMID: 34753855)

Labcorp Genetics (formerly Invitae), Labcorp
Classification: Uncertain significance. Last evaluated: 2024-12-03. Review status: criteria provided, single submitter. Criteria: Invitae Variant Classification Sherloc (09022015). Collection method: clinical testing. Allele origin: germline.
Comment: This sequence change replaces glycine, which is neutral and non-polar, with arginine, which is basic and polar, at codon 679 of the USH2A protein (p.Gly679Arg). This variant is present in population databases (rs367693972, gnomAD 0.008%). This variant has not been reported in the literature in individuals affected with USH2A-related conditions. ClinVar contains an entry for this variant (Variation ID: 1064947). Invitae Evidence Modeling of protein sequence and biophysical properties (such as structural, functional, and spatial information, amino acid conservation, physicochemical variation, residue mobility, and thermodynamic stability) indicates that this missense variant is expected to disrupt USH2A protein function with a positive predictive value of 95%. In summary, the available evidence is currently insufficient to determine the role of this variant in disease. Therefore, it has been classified as a Variant of Uncertain Significance.

Blueprint Genetics
Classification: Uncertain significance. Last evaluated: 2024-09-04. Review status: criteria provided, single submitter. Criteria: ACMG Guidelines, 2015. Collection method: clinical testing. Allele origin: germline.

Genome-Nilou Lab
Classification: Uncertain significance for Retinitis pigmentosa 39. Last evaluated: 2023-11-04. Review status: criteria provided, single submitter. Criteria: ACMG Guidelines, 2015. Collection method: clinical testing. Allele origin: germline. Affected: no.

Genome-Nilou Lab
Classification: Uncertain significance for Usher syndrome type 2A. Last evaluated: 2023-11-04. Review status: criteria provided, single submitter. Criteria: ACMG Guidelines, 2015. Collection method: clinical testing. Allele origin: germline. Affected: no.

Fulgent Genetics
Classification: Uncertain significance for Usher syndrome type 2A; Retinitis pigmentosa 39. Last evaluated: 2021-07-16. Review status: criteria provided, single submitter. Criteria: ACMG Guidelines, 2015. Collection method: clinical testing. Allele origin: unknown.

Department of Otolaryngology – Head & Neck Surgery, Cochlear Implant Center
Classification: Uncertain significance for Hearing impairment. Last evaluated: 2021-04-12. Review status: criteria provided, single submitter. Criteria: ClinGen HL ACMG Specifications v1. Collection method: clinical testing. Allele origin: germline. Affected: yes.
Comment: PM2_Moderate, PP3_Supporting

PreventionGenetics, part of Exact Sciences
Classification: Uncertain significance for USH2A-related condition. Last evaluated: 2024-08-28. Review status: no assertion criteria provided. Collection method: clinical testing. Allele origin: germline. Not counted in ClinVar's aggregate classification.
Comment: The USH2A c.2035G>A variant is predicted to result in the amino acid substitution p.Gly679Arg. To our knowledge, this variant has not been reported in the literature. This variant is reported in 0.0078% of alleles in individuals of European (Non-Finnish) descent in gnomAD. At this time, the clinical significance of this variant is uncertain due to the absence of conclusive functional and genetic evidence.